The following is an entry in ClinVar:

NM_001370259.2(MEN1):c.1061G>T (p.Cys354Phe)

Gene: MEN1 (menin 1; minus strand). Cytogenetic location: 11q13.1.
Variant type: single nucleotide variant.
Coding change: c.1061G>T on transcript NM_001370259.2 (MANE Select); coding-DNA position 1061, G replaced by T.
Protein change: p.Cys354Phe; replaces cysteine 354 with phenylalanine.
Molecular consequence: missense variant.
Genome position (GRCh38, 1-based): chr11:64,805,759, C>A on the plus strand (G>T on the coding strand, the complement: MEN1 is on the minus strand). VCF-style: chr11-64805759-C-A. GRCh37 (hg19) VCF-style: chr11-64573231-C-A.
Other names: c.1076G>T, p.Cys359Phe (NM_000244.4, NM_130800.3, NM_130801.3 and 3 more transcripts); c.1187G>T, p.Cys396Phe (NM_001370251.2); c.1061G>T, p.Cys354Phe (NM_001370260.2, NM_001370261.2, NM_130799.3); c.956G>T, p.Cys319Phe (NM_001370262.2, NM_001370263.2); short protein forms C354F, C319F, C359F, C396F.
Identifiers: ClinVar variation 1393006 (VCV001393006.11), dbSNP rs904261642, ClinGen allele CA223914061.

ClinVar aggregate classification (germline): Uncertain significance. Review status: criteria provided, multiple submitters, no conflicts (2 of 4 stars). 2 submissions from 2 submitters: Uncertain significance (2). Last evaluated 2026-01-28.

Conditions:
Multiple endocrine neoplasia, type 1 (MEN1). Also called: MEN I; WERMER SYNDROME; Endocrine adenomatosis multiple; MEN 1; MEA I. Identifiers: Orphanet 652, MedGen C0025267, MeSH D018761, MONDO:0007540, OMIM 131100.
Hereditary cancer-predisposing syndrome. Also called: Hereditary neoplastic syndrome; Neoplastic Syndromes, Hereditary; Hereditary Cancer Syndrome; Tumor predisposition. Identifiers: Orphanet 140162, MedGen C0027672, MeSH D009386, MONDO:0015356.

gnomAD v4.1: 2 of 1,612,664 alleles (0.00012%); highest among the groups gnomAD compares: Non-Finnish European, 0.00017%; no homozygotes.

Submissions (2):

Labcorp Genetics (formerly Invitae), Labcorp
Classification: Uncertain significance for Multiple endocrine neoplasia, type 1. Last evaluated: 2026-01-28. Review status: criteria provided, single submitter. Criteria: Invitae Variant Classification Sherloc (09022015). Collection method: clinical testing. Allele origin: germline.
Comment: This sequence change replaces cysteine, which is neutral and slightly polar, with phenylalanine, which is neutral and non-polar, at codon 354 of the MEN1 protein (p.Cys354Phe). This variant is present in population databases (no rsID available, gnomAD 0.007%). This missense change has been observed in individual(s) with clinical features of MEN1 (PMID: 29497973). ClinVar contains an entry for this variant (Variation ID: 1393006). Invitae Evidence Modeling of protein sequence and biophysical properties (such as structural, functional, and spatial information, amino acid conservation, physicochemical variation, residue mobility, and thermodynamic stability) has been performed for this missense variant. However, the output from this modeling did not meet the statistical confidence thresholds required to predict the impact of this variant on MEN1 protein function. In summary, the available evidence is currently insufficient to determine the role of this variant in disease. Therefore, it has been classified as a Variant of Uncertain Significance.

Ambry Genetics
Classification: Uncertain significance for Hereditary cancer-predisposing syndrome. Last evaluated: 2024-06-17. Review status: criteria provided, single submitter. Criteria: Ambry Variant Classification Scheme 2023. Collection method: clinical testing. Allele origin: germline.
Comment: The p.C354F variant (also known as c.1061G>T), located in coding exon 7 of the MEN1 gene, results from a G to T substitution at nucleotide position 1061. The cysteine at codon 354 is replaced by phenylalanine, an amino acid with highly dissimilar properties. This amino acid position is well conserved in available vertebrate species. In addition, the in silico prediction for this alteration is inconclusive. Since supporting evidence is limited at this time, the clinical significance of this alteration remains unclear.

Literature cited by the submitters: PubMed 29497973 (cited by Labcorp Genetics (formerly Invitae), Labcorp).